The following is an entry in ClinVar:

ClinVar aggregate classification (germline): Uncertain significance (1 of 4 stars; one submission).

Conditions:
Symmetrical dyschromatosis of extremities (DSH). Also called: DYSCHROMATOSIS SYMMETRICA HEREDITARIA 1; RETICULATE ACROPIGMENTATION OF DOHI; SYMMETRIC DYSCHROMATOSIS OF THE EXTREMITIES; Dyschromatosis symmetrica hereditaria. Identifiers: Orphanet 41, MedGen C0406775, MONDO:0007483, OMIM 127400.
Aicardi-Goutieres syndrome 6 (AGS6). Identifiers: Orphanet 51, MedGen C3539013, MONDO:0014007, OMIM 615010.

Allele frequency attached by ClinVar (database versions not stated): gnomAD exomes below 0.00001; gnomAD 0.00001; TOPMed 0.00001.

Submission:

Labcorp Genetics (formerly Invitae), Labcorp
Classification: Uncertain significance for Aicardi-Goutieres syndrome 6; Symmetrical dyschromatosis of extremities. Last evaluated: 2024-04-25. Review status: criteria provided, single submitter. Criteria: Invitae Variant Classification Sherloc (09022015). Collection method: clinical testing. Allele origin: germline.
Comment: This sequence change replaces lysine, which is basic and polar, with arginine, which is basic and polar, at codon 1200 of the ADAR protein (p.Lys1200Arg). This variant is not present in population databases (gnomAD no frequency). This variant has not been reported in the literature in individuals affected with ADAR-related conditions. ClinVar contains an entry for this variant (Variation ID: 2143118). Advanced modeling of protein sequence and biophysical properties (such as structural, functional, and spatial information, amino acid conservation, physicochemical variation, residue mobility, and thermodynamic stability) performed at Invitae indicates that this missense variant is not expected to disrupt ADAR protein function with a negative predictive value of 80%. In summary, the available evidence is currently insufficient to determine the role of this variant in disease. Therefore, it has been classified as a Variant of Uncertain Significance.

NM_001111.5(ADAR):c.3599A>G (p.Lys1200Arg)

Gene: ADAR (adenosine deaminase RNA specific; minus strand). Cytogenetic location: 1q21.3.
Variant type: single nucleotide variant.
Coding change: c.3599A>G on transcript NM_001111.5 (MANE Select); coding-DNA position 3599, A replaced by G.
Protein change: p.Lys1200Arg; replaces lysine 1200 with arginine.
Molecular consequence: missense variant.
Genome position (GRCh38, 1-based): chr1:154,584,888, T>C on the plus strand (A>G on the coding strand, the complement: ADAR is on the minus strand). VCF-style: chr1-154584888-T-C. GRCh37 (hg19) VCF-style: chr1-154557364-T-C.
Other names: c.2714A>G, p.Lys905Arg (NM_001025107.3, NM_001193495.2, NM_001365046.1 and 2 more transcripts); c.3626A>G, p.Lys1209Arg (NM_001365045.1); c.2636A>G, p.Lys879Arg (NM_001365049.1); c.3521A>G, p.Lys1174Arg (NM_015840.4); c.3464A>G, p.Lys1155Arg (NM_015841.4); short protein forms K1200R, K879R, K1155R, K1209R, K905R, K1174R.
Identifiers: ClinVar variation 2143118 (VCV002143118.4), dbSNP rs1230118983, ClinGen allele CA342634604.